The following is an entry in ClinVar:

ClinVar aggregate classification (germline): Uncertain significance. Review status: criteria provided, multiple submitters, no conflicts (2 of 4 stars). 2 submissions from 2 submitters: Uncertain significance (2). Last evaluated 2023-06-07.

Conditions:
Hereditary cancer-predisposing syndrome. Also called: Neoplastic Syndromes, Hereditary; Tumor predisposition; Hereditary Cancer Syndrome; Hereditary neoplastic syndrome. Identifiers: Orphanet 140162, MedGen C0027672, MeSH D009386, MONDO:0015356.

Allele frequency attached by ClinVar (database versions not stated): TOPMed below 0.00001; gnomAD 0.00001.
gnomAD v4.1: 3 of 1,613,884 alleles (0.00019%); highest among the groups gnomAD compares: African/African-American, 0.004%; no homozygotes.

Submissions (2):

Labcorp Genetics (formerly Invitae), Labcorp
Classification: Uncertain significance for Hereditary cancer-predisposing syndrome. Last evaluated: 2023-06-07. Review status: criteria provided, single submitter. Criteria: Invitae Variant Classification Sherloc (09022015). Collection method: clinical testing. Allele origin: germline.
Comment: In summary, the available evidence is currently insufficient to determine the role of this variant in disease. Therefore, it has been classified as a Variant of Uncertain Significance. Advanced modeling of protein sequence and biophysical properties (such as structural, functional, and spatial information, amino acid conservation, physicochemical variation, residue mobility, and thermodynamic stability) performed at Invitae indicates that this missense variant is not expected to disrupt RAD50 protein function. ClinVar contains an entry for this variant (Variation ID: 482083). This variant has not been reported in the literature in individuals affected with RAD50-related conditions. This variant is not present in population databases (gnomAD no frequency). This sequence change replaces glutamic acid, which is acidic and polar, with lysine, which is basic and polar, at codon 782 of the RAD50 protein (p.Glu782Lys).

Ambry Genetics
Classification: Uncertain significance for Hereditary cancer-predisposing syndrome. Last evaluated: 2022-09-12. Review status: criteria provided, single submitter. Criteria: Ambry Variant Classification Scheme 2023. Collection method: clinical testing. Allele origin: germline.
Comment: The p.E782K variant (also known as c.2344G>A), located in coding exon 14 of the RAD50 gene, results from a G to A substitution at nucleotide position 2344. The glutamic acid at codon 782 is replaced by lysine, an amino acid with similar properties. This variant was not reported in population based cohorts in the following databases: Database of Single Nucleotide Polymorphisms (dbSNP), NHLBI Exome Sequencing Project (ESP), and 1000 Genomes Project. In the ESP, this variant was not observed in 6503 samples (13006 alleles) with coverage at this position. To date, this alteration has been detected with an allele frequency of approximately 0.001% (greater than 175000 alleles tested) in our clinical cohort. This amino acid position is highly conserved in available vertebrate species. In addition, the in silico prediction for this alteration is inconclusive. Since supporting evidence is limited at this time, the clinical significance of this alteration remains unclear.

NM_005732.4(RAD50):c.2344G>A (p.Glu782Lys)

Gene: RAD50 (RAD50 double strand break repair protein; plus strand). Cytogenetic location: 5q31.1.
Variant type: single nucleotide variant.
Coding change: c.2344G>A on transcript NM_005732.4 (MANE Select); coding-DNA position 2344, G replaced by A.
Protein change: p.Glu782Lys; replaces glutamic acid 782 with lysine.
Molecular consequence: missense variant.
Genome position (GRCh38, 1-based): chr5:132,603,436, G>A. VCF-style: chr5-132603436-G-A. GRCh37 (hg19) VCF-style: chr5-131939128-G-A.
Other names: short protein forms E782K.
Identifiers: ClinVar variation 482083 (VCV000482083.15), dbSNP rs900666689, ClinGen allele CA127257773.